The following is an entry in ClinVar:

NM_003611.3(OFD1):c.710A>G (p.Lys237Arg)

Gene: OFD1 (OFD1 centriole and centriolar satellite protein; plus strand). Cytogenetic location: Xp22.2.
Variant type: single nucleotide variant.
Coding change: c.710A>G on transcript NM_003611.3 (MANE Select); coding-DNA position 710, A replaced by G.
Protein change: p.Lys237Arg; replaces lysine 237 with arginine.
Molecular consequence: missense variant.
Genome position (GRCh38, 1-based): chrX:13,746,835, A>G. VCF-style: chrX-13746835-A-G. GRCh37 (hg19) VCF-style: chrX-13764954-A-G.
Other names: c.710A>G, p.Lys237Arg (NM_001330209.2); c.290A>G, p.Lys97Arg (NM_001330210.2); short protein forms K97R, K237R.
Identifiers: ClinVar variation 1468601 (VCV001468601.8), dbSNP rs1179498927, ClinGen allele CA412337932.

ClinVar aggregate classification (germline): Uncertain significance (1 of 4 stars; one submission).

Conditions:
Joubert syndrome. Also called: CEREBELLOPARENCHYMAL DISORDER IV; JOUBERT-BOLTSHAUSER SYNDROME; Familial aplasia of the vermis. Identifiers: Orphanet 475, MedGen C5979921, MONDO:0018772.
Orofaciodigital syndrome I (OFD1). Also called: OFDS I; Papillon-Leage and Psaume Syndrome; Oral-Facial-Digital Syndrome Type I. Identifiers: Orphanet 2750, MedGen C1510460, MONDO:0010702, OMIM 311200.

Allele frequency attached by ClinVar (database versions not stated): TOPMed 0.00001; gnomAD 0.00002.
gnomAD v4.1: 7 of 1,200,758 alleles (0.00058%); highest among the groups gnomAD compares: Non-Finnish European, 0.00079%; no homozygotes.

Submission:

Labcorp Genetics (formerly Invitae), Labcorp
Classification: Uncertain significance for Orofaciodigital syndrome I; Joubert syndrome. Last evaluated: 2020-12-14. Review status: criteria provided, single submitter. Criteria: Invitae Variant Classification Sherloc (09022015). Collection method: clinical testing. Allele origin: germline.
Comment: This sequence change replaces lysine with arginine at codon 237 of the OFD1 protein (p.Lys237Arg). The lysine residue is highly conserved and there is a small physicochemical difference between lysine and arginine. In summary, the available evidence is currently insufficient to determine the role of this variant in disease. Therefore, it has been classified as a Variant of Uncertain Significance. Algorithms developed to predict the effect of sequence changes on RNA splicing suggest that this variant may create or strengthen a splice site, but this prediction has not been confirmed by published transcriptional studies. Algorithms developed to predict the effect of missense changes on protein structure and function output the following: SIFT: "Tolerated"; PolyPhen-2: "Possibly Damaging"; Align-GVGD: "Class C0". The arginine amino acid residue is found in multiple mammalian species, suggesting that this missense change does not adversely affect protein function. These predictions have not been confirmed by published functional studies and their clinical significance is uncertain. This variant has not been reported in the literature in individuals with OFD1-related conditions. This variant is not present in population databases (ExAC no frequency).